The following is an entry in ClinVar:

ClinVar aggregate classification (germline): Uncertain significance (1 of 4 stars; one submission).

Conditions:
Inborn genetic diseases. Identifiers: MedGen C0950123, MeSH D030342.

Submission:

Ambry Genetics
Classification: Uncertain significance for Inborn genetic diseases. Last evaluated: 2026-06-18. Review status: criteria provided, single submitter. Criteria: Ambry Variant Classification Scheme 2023. Collection method: clinical testing. Allele origin: germline.
Comment: The p.P500R variant (also known as c.1499C>G), located in coding exon 16 of the FANCA gene, results from a C to G substitution at nucleotide position 1499. The proline at codon 500 is replaced by arginine, an amino acid with dissimilar properties. This amino acid position is conserved. In addition, this alteration is predicted to be deleterious by in silico analysis. Based on the available evidence, the clinical significance of this variant remains unclear.

NM_000135.4(FANCA):c.1499C>G (p.Pro500Arg)

Gene: FANCA (FA complementation group A; minus strand). Cytogenetic location: 16q24.3.
Variant type: single nucleotide variant.
Coding change: c.1499C>G on transcript NM_000135.4 (MANE Select); coding-DNA position 1499, C replaced by G.
Protein change: p.Pro500Arg; replaces proline 500 with arginine.
Molecular consequence: missense variant.
Genome position (GRCh38, 1-based): chr16:89,783,074, G>C on the plus strand (C>G on the coding strand, the complement: FANCA is on the minus strand). VCF-style: chr16-89783074-G-C. GRCh37 (hg19) VCF-style: chr16-89849482-G-C.
Other names: c.1499C>G, p.Pro500Arg (NM_001286167.3); short protein forms P500R.
Identifiers: ClinVar variation 5036313 (VCV005036313.1).